The following is an entry in ClinVar:

NM_018834.6(MATR3):c.2125G>A (p.Ala709Thr)

Genes: MATR3 (matrin 3; plus strand), LOC126807526 (CDK7 strongly-dependent group 2 enhancer GRCh37_chr5:138657767-138658966; plus strand). Cytogenetic location: 5q31.2.
Variant type: single nucleotide variant.
Coding change: c.2125G>A on transcript NM_018834.6 (MANE Select); coding-DNA position 2125, G replaced by A.
Protein change: p.Ala709Thr; replaces alanine 709 with threonine.
Molecular consequence: missense variant.
Genome position (GRCh38, 1-based): chr5:139,322,944, G>A. VCF-style: chr5-139322944-G-A. GRCh37 (hg19) VCF-style: chr5-138658633-G-A.
Other names: c.2125G>A, p.Ala709Thr (NM_001194954.2, NM_001194955.2, NM_001400441.1 and 16 more transcripts); c.1261G>A, p.Ala421Thr (NM_001194956.2); c.1111G>A, p.Ala371Thr (NM_001282278.2, NM_001400460.1, NM_001400462.1 and 5 more transcripts); c.1264G>A, p.Ala422Thr (NM_001400459.1); c.1225G>A, p.Ala409Thr (NM_001400461.1); short protein forms A409T, A709T, A422T, A371T, A421T.
Identifiers: ClinVar variation 4703312 (VCV004703312.1).

ClinVar aggregate classification (germline): Uncertain significance (1 of 4 stars; one submission).

Conditions:
Amyotrophic lateral sclerosis type 21. Also called: VOCAL CORD AND PHARYNGEAL DYSFUNCTION WITH DISTAL MYOPATHY; MYOPATHY, DISTAL, 2. Identifiers: Orphanet 600, Orphanet 803, MedGen C3807521, MONDO:0011632, OMIM 606070.

gnomAD v4.1: 6 of 1,614,020 alleles (0.00037%); highest among the groups gnomAD compares: South Asian, 0.0011%; no homozygotes.

Submission:

Labcorp Genetics (formerly Invitae), Labcorp
Classification: Uncertain significance for Amyotrophic lateral sclerosis type 21. Last evaluated: 2025-06-22. Review status: criteria provided, single submitter. Criteria: Invitae Variant Classification Sherloc (09022015). Collection method: clinical testing. Allele origin: germline.
Comment: This sequence change replaces alanine, which is neutral and non-polar, with threonine, which is neutral and polar, at codon 709 of the MATR3 protein (p.Ala709Thr). This variant is present in population databases (rs563901227, gnomAD 0.003%). This variant has not been reported in the literature in individuals affected with MATR3-related conditions. Invitae Evidence Modeling of protein sequence and biophysical properties (such as structural, functional, and spatial information, amino acid conservation, physicochemical variation, residue mobility, and thermodynamic stability) indicates that this missense variant is not expected to disrupt MATR3 protein function with a negative predictive value of 80%. In summary, the available evidence is currently insufficient to determine the role of this variant in disease. Therefore, it has been classified as a Variant of Uncertain Significance.